The following is an entry in ClinVar:

NM_139281.3(WDR36):c.467A>C (p.His156Pro)

Gene: WDR36 (WD repeat domain 36; plus strand). Cytogenetic location: 5q22.1.
Variant type: single nucleotide variant.
Coding change: c.467A>C on transcript NM_139281.3 (MANE Select); coding-DNA position 467, A replaced by C.
Protein change: p.His156Pro; replaces histidine 156 with proline.
Molecular consequence: missense variant.
Genome position (GRCh38, 1-based): chr5:111,100,646, A>C. VCF-style: chr5-111100646-A-C. GRCh37 (hg19) VCF-style: chr5-110436345-A-C.
Other names: short protein forms H156P.
Identifiers: ClinVar variation 1254559 (VCV001254559.5), dbSNP rs142088179, ClinGen allele CA3365302.

ClinVar aggregate classification (germline): Likely benign. Review status: criteria provided, multiple submitters, no conflicts (2 of 4 stars). 3 submissions from 3 submitters: Likely benign (2). 1 of the submissions does not count toward it. Last evaluated 2018-11-27.

Conditions:
WDR36-related disorder. Also called: WDR36-related condition.

Allele frequency attached by ClinVar (database versions not stated): ESP Exome Variant Server 0.00054; 1000 Genomes Project 0.00359; 1000 Genomes Project 30x 0.00359; gnomAD 0.00850 and 0.00977; gnomAD exomes 0.00995 and 0.01311; TOPMed 0.00999; ExAC 0.01151.
gnomAD v4.1: 20,347 of 1,605,922 alleles (1.3%); highest among the groups gnomAD compares: Non-Finnish European, 1.5%; 187 homozygotes.

Submissions (3):

GeneDx
Classification: Likely benign. Last evaluated: 2018-11-27. Review status: criteria provided, single submitter. Criteria: GeneDx Variant Classification Process June 2021. Collection method: clinical testing. Allele origin: germline. Affected: yes.

Breakthrough Genomics
Classification: Likely benign. Review status: criteria provided, single submitter. Criteria: ACMG Guidelines, 2015. Collection method: not provided. Allele origin: germline. Inheritance: Unknown mechanism. Affected: yes.

PreventionGenetics, part of Exact Sciences
Classification: Benign for WDR36-related condition. Last evaluated: 2019-07-15. Review status: no assertion criteria provided. Collection method: clinical testing. Allele origin: germline. Not counted in ClinVar's aggregate classification.
Comment: This variant is classified as benign based on ACMG/AMP sequence variant interpretation guidelines (Richards et al. 2015 PMID: 25741868, with internal and published modifications).